The following is an entry in ClinVar:

ClinVar aggregate classification (germline): Uncertain significance (1 of 4 stars; one submission).

Submission:

Women's Health and Genetics/Laboratory Corporation of America, LabCorp
Classification: Uncertain significance. Last evaluated: 2025-01-24. Review status: criteria provided, single submitter. Criteria: LabCorp Variant Classification Summary - May 2015. Collection method: clinical testing. Allele origin: germline.
Comment: Variant summary: CPT1A c.1131G>C (p.Glu377Asp) results in a conservative amino acid change located in the choline/carnitine o-acyltransferase domain (IPR039551) of the encoded protein sequence. Four of five in-silico tools predict a damaging effect of the variant on protein function. The variant was absent in 249634 control chromosomes. c.1131G>C has been reported in the literature in at least three compound heterozygous individuals affected with Carnitine Palmitoyltransferase I Deficiency (e.g., Yu_2021, Zhang_2021, Zhou_2022). These data indicate that the variant may be associated with disease. To our knowledge, no experimental evidence demonstrating an impact on protein function has been reported. The following publications have been ascertained in the context of this evaluation (PMID: 33845545, 34869124, 35360862). No submitters have cited clinical-significance assessments for this variant to ClinVar. Based on the evidence outlined above, the variant was classified as VUS-possibly pathogenic.

Literature cited by the submitters: PubMed 35360862; PubMed 34869124; PubMed 33845545.

NM_001876.4(CPT1A):c.1131G>C (p.Glu377Asp)

Gene: CPT1A (carnitine palmitoyltransferase 1A; minus strand). Cytogenetic location: 11q13.3.
Variant type: single nucleotide variant.
Coding change: c.1131G>C on transcript NM_001876.4 (MANE Select); coding-DNA position 1131, G replaced by C.
Protein change: p.Glu377Asp; replaces glutamic acid 377 with aspartic acid.
Molecular consequence: missense variant.
Genome position (GRCh38, 1-based): chr11:68,784,847, C>G on the plus strand (G>C on the coding strand, the complement: CPT1A is on the minus strand). VCF-style: chr11-68784847-C-G. GRCh37 (hg19) VCF-style: chr11-68552315-C-G.
Other names: c.1131G>C, p.Glu377Asp (NM_001031847.3); short protein forms E377D.
Identifiers: ClinVar variation 3769449 (VCV003769449.2).